The following is an entry in ClinVar:

NM_015047.3(EMC1):c.812G>T (p.Gly271Val)

Genes: EMC1 (ER membrane protein complex subunit 1; minus strand), EMC1-AS1 (EMC1 antisense RNA 1; plus strand). Cytogenetic location: 1p36.13.
Variant type: single nucleotide variant.
Coding change: c.812G>T on transcript NM_015047.3 (MANE Select); coding-DNA position 812, G replaced by T.
Protein change: p.Gly271Val; replaces glycine 271 with valine.
Molecular consequence: missense variant.
Genome position (GRCh38, 1-based): chr1:19,239,960, C>A on the plus strand (G>T on the coding strand, the complement: EMC1 is on the minus strand). VCF-style: chr1-19239960-C-A. GRCh37 (hg19) VCF-style: chr1-19566454-C-A.
Other names: c.812G>T, p.Gly271Val (NM_001271427.2, NM_001271428.2, NM_001375820.1 and 1 more transcripts); c.746G>T, p.Gly249Val (NM_001271429.2); short protein forms G249V, G271V.
Identifiers: ClinVar variation 1424401 (VCV001424401.8), dbSNP rs199938439, ClinGen allele CA338768438.

ClinVar aggregate classification (germline): Uncertain significance (1 of 4 stars; one submission).

gnomAD v4.1: 1 of 1,612,598 alleles (0.000062%); highest among the groups gnomAD compares: Admixed American, 0.0017%; no homozygotes.

Submission:

Labcorp Genetics (formerly Invitae), Labcorp
Classification: Uncertain significance. Last evaluated: 2023-04-30. Review status: criteria provided, single submitter. Criteria: Invitae Variant Classification Sherloc (09022015). Collection method: clinical testing. Allele origin: germline.
Comment: In summary, the available evidence is currently insufficient to determine the role of this variant in disease. Therefore, it has been classified as a Variant of Uncertain Significance. An algorithm developed to predict the effect of missense changes on protein structure and function (PolyPhen-2) suggests that this variant is likely to be tolerated. ClinVar contains an entry for this variant (Variation ID: 1424401). This variant has not been reported in the literature in individuals affected with EMC1-related conditions. This variant is not present in population databases (gnomAD no frequency). This sequence change replaces glycine, which is neutral and non-polar, with valine, which is neutral and non-polar, at codon 271 of the EMC1 protein (p.Gly271Val).